The following is an entry in ClinVar:

ClinVar aggregate classification (germline): Uncertain significance (1 of 4 stars; one submission).

Conditions:
Glycogen storage disease, type II (IOPD). Also called: Pompe Disease; CARDIOMEGALIA GLYCOGENICA DIFFUSA; GLYCOGENOSIS, GENERALIZED, CARDIAC FORM; GSD II; POMPE DISEASE, INFANTILE-ONSET; GLYCOGEN STORAGE DISEASE II, INFANTILE-ONSET. Identifiers: Orphanet 365, MedGen C0017921, MONDO:0009290, OMIM 232300.

gnomAD v4.1: 1 of 1,613,798 alleles (0.000062%); highest among the groups gnomAD compares: Non-Finnish European, 0.000085%; no homozygotes.

Submission:

Genomenon, Inc
Classification: Uncertain significance for Glycogen storage disease, type II. Last evaluated: 2026-07-01. Review status: criteria provided, single submitter. Criteria: Genomenon Sequence Variant Interpretation Standards - Updated. Collection method: curation. Allele origin: germline. Affected: no.
Comment: GAA p.Ala582Val (c.1745C>T) is a missense variant that changes the amino acid at codon 582 from Alanine to Valine. This variant has been reported in the published literature (PMID:34395343). It is absent or not present at a significant frequency in gnomAD. In silico models predict that this variant is possibly or probably damaging. In conclusion, we classify GAA p.Ala582Val (c.1745C>T) as a variant of uncertain significance.

Literature cited by the submitters: PubMed 34395343.

NM_000152.5(GAA):c.1745C>T (p.Ala582Val)

Gene: GAA (alpha glucosidase; plus strand). Cytogenetic location: 17q25.3.
Variant type: single nucleotide variant.
Coding change: c.1745C>T on transcript NM_000152.5 (MANE Select); coding-DNA position 1745, C replaced by T.
Protein change: p.Ala582Val; replaces alanine 582 with valine.
Molecular consequence: missense variant.
Genome position (GRCh38, 1-based): chr17:80,112,091, C>T. VCF-style: chr17-80112091-C-T. GRCh37 (hg19) VCF-style: chr17-78085890-C-T.
Other names: c.1745C>T, p.Ala582Val (NM_001079803.3, NM_001079804.3, NM_001406741.1 and 1 more transcripts); short protein forms A582V.
Identifiers: ClinVar variation 4876439 (VCV004876439.1).